The following is an entry in ClinVar:

NM_173630.4(RTTN):c.2309+12G>A

Gene: RTTN (rotatin; minus strand). Cytogenetic location: 18q22.2.
Variant type: single nucleotide variant.
Coding change: c.2309+12G>A on transcript NM_173630.4 (MANE Select); 12 bases into the intron after coding-DNA position 2309, G replaced by A.
Molecular consequence: intron variant.
Genome position (GRCh38, 1-based): chr18:70,148,889, C>T on the plus strand (G>A on the coding strand, the complement: RTTN is on the minus strand). VCF-style: chr18-70148889-C-T. GRCh37 (hg19) VCF-style: chr18-67816125-C-T.
Other names: c.-339+12G>A (NM_001318520.2).
Identifiers: ClinVar variation 385924 (VCV000385924.12), dbSNP rs144279235, ClinGen allele CA8995929.

ClinVar aggregate classification (germline): Benign/Likely benign. Review status: criteria provided, multiple submitters, no conflicts (2 of 4 stars). 5 submissions from 5 submitters: Benign (1); Likely benign (4). Last evaluated 2026-01-28.

Allele frequency attached by ClinVar (database versions not stated): 1000 Genomes Project 30x 0.00297; 1000 Genomes Project 0.00300; gnomAD 0.00428 and 0.00433; ExAC 0.00457; ESP Exome Variant Server 0.00461; TOPMed 0.00462; gnomAD exomes 0.00465 and 0.00627.
gnomAD v4.1: 9,768 of 1,612,854 alleles (0.61%); highest among the groups gnomAD compares: Non-Finnish European, 0.71%; 42 homozygotes.

Submissions (5):

Labcorp Genetics (formerly Invitae), Labcorp
Classification: Benign. Last evaluated: 2026-01-28. Review status: criteria provided, single submitter. Criteria: Invitae Variant Classification Sherloc (09022015). Collection method: clinical testing. Allele origin: germline.

Blueprint Genetics
Classification: Likely benign. Last evaluated: 2024-11-27. Review status: criteria provided, single submitter. Criteria: ACMG Guidelines, 2015. Collection method: clinical testing. Allele origin: germline.

GeneDx
Classification: Likely benign. Last evaluated: 2017-12-11. Review status: criteria provided, single submitter. Criteria: GeneDx Variant Classification (06012015). Collection method: clinical testing. Allele origin: germline. Affected: yes.
Comment: This variant is considered likely benign or benign based on one or more of the following criteria: it is a conservative change, it occurs at a poorly conserved position in the protein, it is predicted to be benign by multiple in silico algorithms, and/or has population frequency not consistent with disease.

Center for Pediatric Genomic Medicine, Children's Mercy Hospital and Clinics
Classification: Likely benign. Last evaluated: 2017-06-02. Review status: criteria provided, single submitter. Criteria: ACMG Guidelines, 2015. Collection method: clinical testing. Allele origin: germline.

Breakthrough Genomics
Classification: Likely benign. Review status: criteria provided, single submitter. Criteria: ACMG Guidelines, 2015. Collection method: not provided. Allele origin: germline. Inheritance: Autosomal recessive inheritance. Affected: yes.